The following is an entry in ClinVar:

ClinVar aggregate classification (germline): Conflicting classifications of pathogenicity. Review status: criteria provided, conflicting classifications (1 of 4 stars). 2 submissions from 2 submitters: Likely pathogenic (1); Uncertain significance (1). Last evaluated 2026-01-30.

Conditions:
Primary CD59 deficiency. Also called: CD59-mediated hemolytic anemia with or without immune-mediated polyneuropathy; HEMOLYTIC ANEMIA, CD59-MEDIATED. Identifiers: Orphanet 169464, MedGen C2676767, MONDO:0012858, OMIM 612300.

Submissions (2):

Dasa
Classification: Uncertain significance. Last evaluated: 2026-01-30. Review status: criteria provided, single submitter. Criteria: DASA Assertion Criteria. Collection method: clinical testing. Allele origin: germline.
Comment: NM_000611.6(CD59):c.83G>A (p.Cys28Tyr) is a missense variant that results in the substitution of cysteine with tyrosine. This variant is rare in population databases. Computational prediction algorithms are consistent with a deleterious effect. The currently available literature and clinical evidence are not sufficient to establish a definitive association between this variant and the reported condition. Therefore, this variant is classified as a variant of uncertain significance.

Mendelics
Classification: Likely pathogenic for Primary CD59 deficiency. Last evaluated: 2022-05-04. Review status: criteria provided, single submitter. Criteria: Mendelics Assertion Criteria 2019. Collection method: clinical testing. Allele origin: germline.

NM_000611.6(CD59):c.83G>A (p.Cys28Tyr)

Gene: CD59 (CD59 molecule (CD59 blood group); minus strand). Cytogenetic location: 11p13.
Variant type: single nucleotide variant.
Coding change: c.83G>A on transcript NM_000611.6 (MANE Select); coding-DNA position 83, G replaced by A.
Protein change: p.Cys28Tyr; replaces cysteine 28 with tyrosine.
Molecular consequence: missense variant.
Genome position (GRCh38, 1-based): chr11:33,717,456, C>T on the plus strand (G>A on the coding strand, the complement: CD59 is on the minus strand). VCF-style: chr11-33717456-C-T. GRCh37 (hg19) VCF-style: chr11-33739002-C-T.
Other names: c.83G>A, p.Cys28Tyr (NM_001127223.1, NM_001127225.2, NM_001127226.2 and 4 more transcripts); short protein forms C28Y.
Identifiers: ClinVar variation 1685256 (VCV001685256.3), dbSNP rs1853849281, ClinGen allele CA380021381.